The following is an entry in ClinVar:

NM_032119.4(ADGRV1):c.9809G>A (p.Trp3270Ter)

Gene: ADGRV1 (adhesion G protein-coupled receptor V1; plus strand). Cytogenetic location: 5q14.3.
Variant type: single nucleotide variant.
Coding change: c.9809G>A on transcript NM_032119.4 (MANE Select); coding-DNA position 9809, G replaced by A.
Protein change: p.Trp3270Ter; replaces tryptophan 3270 with a stop codon.
Molecular consequence: nonsense. On other transcripts: non-coding transcript variant (1).
Genome position (GRCh38, 1-based): chr5:90,724,892, G>A. VCF-style: chr5-90724892-G-A. GRCh37 (hg19) VCF-style: chr5-90020709-G-A.
Other names: short protein forms W3270*.
Identifiers: ClinVar variation 1353026 (VCV001353026.6), dbSNP rs2149794528, ClinGen allele CA360402578.

ClinVar aggregate classification (germline): Pathogenic (1 of 4 stars; one submission).

Submission:

Labcorp Genetics (formerly Invitae), Labcorp
Classification: Pathogenic. Last evaluated: 2022-06-27. Review status: criteria provided, single submitter. Criteria: Invitae Variant Classification Sherloc (09022015). Collection method: clinical testing. Allele origin: germline.
Comment: This variant is not present in population databases (gnomAD no frequency). For these reasons, this variant has been classified as Pathogenic. Algorithms developed to predict the effect of sequence changes on RNA splicing suggest that this variant may disrupt the consensus splice site. This variant has not been reported in the literature in individuals affected with ADGRV1-related conditions. This sequence change creates a premature translational stop signal (p.Trp3270*) in the ADGRV1 gene. It is expected to result in an absent or disrupted protein product. Loss-of-function variants in ADGRV1 are known to be pathogenic (PMID: 19357117, 22135276, 22147658, 26226137, 26667666, 30029497, 32467589).

Literature cited by the submitters: PubMed 19357117; PubMed 22135276; PubMed 22147658; PubMed 26226137; PubMed 26667666; PubMed 30029497; PubMed 32467589.